The following is an entry in ClinVar:

ClinVar aggregate classification (germline): Likely pathogenic (1 of 4 stars; one submission).

Conditions:
Pfeiffer syndrome (ACS5). Also called: ACS V. Identifiers: Orphanet 710, MedGen C0220658, MONDO:0007043, OMIM 101600.

Submission:

Genomic Diagnostic Laboratory, Division of Genomic Diagnostics, Children's Hospital of Philadelphia
Classification: Likely pathogenic for Pfeiffer syndrome. Last evaluated: 2016-09-17. Review status: criteria provided, single submitter. Criteria: DGD Variant Analysis Guidelines. Collection method: clinical testing. Allele origin: germline. Affected: yes. Observed: 1 variant allele.
Comment: Clinical Testing

NM_000141.5(FGFR2):c.833_834delinsTA (p.Cys278Leu)

Gene: FGFR2 (fibroblast growth factor receptor 2; minus strand). Cytogenetic location: 10q26.13.
Variant type: Indel.
Coding change: c.833_834delinsTA on transcript NM_000141.5 (MANE Select); coding-DNA positions 833 to 834, GC replaced by TA.
Protein change: p.Cys278Leu; replaces cysteine 278 with leucine.
Molecular consequence: missense variant. On other transcripts: non-coding transcript variant (1), intron variant (1).
Genome position (GRCh38, 1-based): chr10:121,520,084-121,520,085, GC replaced by TA on the plus strand (GC replaced by TA on the coding strand, the reverse complement: FGFR2 is on the minus strand). VCF-style: chr10-121520084-GC-TA. GRCh37 (hg19) VCF-style: chr10-123279598-GC-TA.
Other names: c.833_834delinsTA, p.Cys278Leu (NM_001144913.1, NM_001144917.2, NM_001320658.2 and 1 more transcripts); c.566_567delinsTA, p.Cys189Leu (NM_001144915.2, NM_001144919.2); c.488_489delinsTA, p.Cys163Leu (NM_001144916.2, NM_001144918.2); c.149_150delinsTA, p.Cys50Leu (NM_001320654.2); c.566_567delGCinsTA, p.Cys189Leu (NM_023029.3); c.749-4766_749-4765delinsTA (NM_001144914.1); short protein forms C50L, C163L, C189L, C278L.
Identifiers: ClinVar variation 374810 (VCV000374810.2), dbSNP rs1057519037, ClinGen allele CA16043918.